The following is an entry in ClinVar:

NM_001374259.2(IL12RB2):c.1081C>G (p.Gln361Glu)

Gene: IL12RB2 (interleukin 12 receptor subunit beta 2; plus strand). Cytogenetic location: 1p31.3.
Variant type: single nucleotide variant.
Coding change: c.1081C>G on transcript NM_001374259.2 (MANE Select); coding-DNA position 1081, C replaced by G.
Protein change: p.Gln361Glu; replaces glutamine 361 with glutamic acid.
Molecular consequence: missense variant. On other transcripts: non-coding transcript variant (2).
Genome position (GRCh38, 1-based): chr1:67,350,912, C>G. VCF-style: chr1-67350912-C-G. GRCh37 (hg19) VCF-style: chr1-67816595-C-G.
Other names: c.1081C>G, p.Gln361Glu (NM_001258214.1, NM_001258215.1, NM_001258216.1 and 2 more transcripts); short protein forms Q361E.
Identifiers: ClinVar variation 2798906 (VCV002798906.3), dbSNP rs2526222328, ClinGen allele CA340736539.

ClinVar aggregate classification (germline): Uncertain significance (1 of 4 stars; one submission).

Submission:

Labcorp Genetics (formerly Invitae), Labcorp
Classification: Uncertain significance. Last evaluated: 2024-01-01. Review status: criteria provided, single submitter. Criteria: Invitae Variant Classification Sherloc (09022015). Collection method: clinical testing. Allele origin: germline.
Comment: This sequence change replaces glutamine, which is neutral and polar, with glutamic acid, which is acidic and polar, at codon 361 of the IL12RB2 protein (p.Gln361Glu). This variant is not present in population databases (gnomAD no frequency). This variant has not been reported in the literature in individuals affected with IL12RB2-related conditions. Algorithms developed to predict the effect of missense changes on protein structure and function output the following: SIFT: "Not Available"; PolyPhen-2: "Benign"; Align-GVGD: "Not Available". The glutamic acid amino acid residue is found in multiple mammalian species, which suggests that this missense change does not adversely affect protein function. In summary, the available evidence is currently insufficient to determine the role of this variant in disease. Therefore, it has been classified as a Variant of Uncertain Significance.